The following is an entry in ClinVar:

ClinVar aggregate classification (germline): Uncertain significance (1 of 4 stars; one submission).

Conditions:
Arrhythmogenic right ventricular dysplasia 11. Also called: ARRHYTHMOGENIC RIGHT VENTRICULAR DYSPLASIA, FAMILIAL, 11; Arrhythmogenic Right Ventricular Dysplasia/Cardiomyopathy11; Arrhythmogenic right ventricular dysplasia 11 with mild palmoplantar keratoderma and woolly hair. Identifiers: MedGen C1864850, MONDO:0012506, OMIM 610476.

Submission:

Labcorp Genetics (formerly Invitae), Labcorp
Classification: Uncertain significance for Arrhythmogenic right ventricular dysplasia 11. Last evaluated: 2024-03-02. Review status: criteria provided, single submitter. Criteria: Invitae Variant Classification Sherloc (09022015). Collection method: clinical testing. Allele origin: germline.
Comment: This sequence change replaces glycine, which is neutral and non-polar, with alanine, which is neutral and non-polar, at codon 880 of the DSC2 protein (p.Gly880Ala). This variant is not present in population databases (gnomAD no frequency). This variant has not been reported in the literature in individuals affected with DSC2-related conditions. An algorithm developed to predict the effect of missense changes on protein structure and function (PolyPhen-2) suggests that this variant is likely to be disruptive. In summary, the available evidence is currently insufficient to determine the role of this variant in disease. Therefore, it has been classified as a Variant of Uncertain Significance.

NM_024422.6(DSC2):c.2639G>C (p.Gly880Ala)

Gene: DSC2 (desmocollin 2; minus strand). Cytogenetic location: 18q12.1.
Variant type: single nucleotide variant.
Coding change: c.2639G>C on transcript NM_024422.6 (MANE Select); coding-DNA position 2639, G replaced by C.
Protein change: p.Gly880Ala; replaces glycine 880 with alanine.
Molecular consequence: missense variant. On other transcripts: 3 prime UTR variant (2).
Genome position (GRCh38, 1-based): chr18:31,068,082, C>G on the plus strand (G>C on the coding strand, the complement: DSC2 is on the minus strand). VCF-style: chr18-31068082-C-G. GRCh37 (hg19) VCF-style: chr18-28648048-C-G.
Other names: c.2210G>C, p.Gly737Ala (NM_001406506.1); c.*141G>C (NM_001406507.1, NM_004949.5); short protein forms G737A, G880A.
Identifiers: ClinVar variation 3644183 (VCV003644183.2).